The following is an entry in ClinVar:

ClinVar aggregate classification (germline): Uncertain significance (1 of 4 stars; one submission).

Conditions:
Danon disease. Also called: Glycogen Storage Disease Type IIb; ANTOPOL DISEASE; PSEUDOGLYCOGENOSIS II; GSD IIb; LYSOSOMAL GLYCOGEN STORAGE DISEASE WITHOUT ACID MALTASE DEFICIENCY. Identifiers: Orphanet 34587, MedGen C0878677, MONDO:0010281, OMIM 300257.

Submission:

Labcorp Genetics (formerly Invitae), Labcorp
Classification: Uncertain significance for Danon disease. Last evaluated: 2021-07-04. Review status: criteria provided, single submitter. Criteria: Invitae Variant Classification Sherloc (09022015). Collection method: clinical testing. Allele origin: germline.
Comment: This sequence change replaces glycine with glutamic acid at codon 133 of the LAMP2 protein (p.Gly133Glu). The glycine residue is moderately conserved and there is a moderate physicochemical difference between glycine and glutamic acid. This variant is not present in population databases (ExAC no frequency). This variant has not been reported in the literature in individuals affected with LAMP2-related conditions. Algorithms developed to predict the effect of missense changes on protein structure and function output the following: SIFT: "Deleterious"; PolyPhen-2: "Benign"; Align-GVGD: "Class C0". The glutamic acid amino acid residue is found in multiple mammalian species, which suggests that this missense change does not adversely affect protein function. Algorithms developed to predict the effect of sequence changes on RNA splicing suggest that this variant may disrupt the consensus splice site. In summary, the available evidence is currently insufficient to determine the role of this variant in disease. Therefore, it has been classified as a Variant of Uncertain Significance.

NM_002294.3(LAMP2):c.398G>A (p.Gly133Glu)

Gene: LAMP2 (lysosome associated membrane protein 2; minus strand). Cytogenetic location: Xq24.
Variant type: single nucleotide variant.
Coding change: c.398G>A on transcript NM_002294.3 (MANE Select); coding-DNA position 398, G replaced by A.
Protein change: p.Gly133Glu; replaces glycine 133 with glutamic acid.
Molecular consequence: missense variant.
Genome position (GRCh38, 1-based): chrX:120,449,128, C>T on the plus strand (G>A on the coding strand, the complement: LAMP2 is on the minus strand). VCF-style: chrX-120449128-C-T. GRCh37 (hg19) VCF-style: chrX-119582983-C-T.
Other names: c.398G>A, p.Gly133Glu (NM_001122606.1, NM_013995.2); short protein forms G133E.
Identifiers: ClinVar variation 1473282 (VCV001473282.8), dbSNP rs2147283120, ClinGen allele CA414402396.
Genomic context (GRCh38, chrX:120,449,128, plus strand): 5'-CATCTAAAAAGGTCATTCAATGGAATTCTGATGGCCAAAAGTTCATCAACAGTAAGAATT[C>T]CTATAAAACAAGATTAACAATGGCTATTTCCAAGAAGGTAGGAGAAAAGTGATAATATAA-3'
Protein context (NP_002285.1, residues 123-143): NTTFPDAEDK[Gly133Glu]ILTVDELLAI